The following is an entry in ClinVar:

NM_015046.7(SETX):c.470A>G (p.Tyr157Cys)

Gene: SETX (senataxin; minus strand). Cytogenetic location: 9q34.13.
Variant type: single nucleotide variant.
Coding change: c.470A>G on transcript NM_015046.7 (MANE Select); coding-DNA position 470, A replaced by G.
Protein change: p.Tyr157Cys; replaces tyrosine 157 with cysteine.
Molecular consequence: missense variant.
Genome position (GRCh38, 1-based): chr9:132,342,718, T>C on the plus strand (A>G on the coding strand, the complement: SETX is on the minus strand). VCF-style: chr9-132342718-T-C. GRCh37 (hg19) VCF-style: chr9-135218105-T-C.
Other names: c.470A>G, p.Tyr157Cys (NM_001351527.2, NM_001351528.2); short protein forms Y157C.
Identifiers: ClinVar variation 1982404 (VCV001982404.4), dbSNP rs775967851, ClinGen allele CA5298037.

ClinVar aggregate classification (germline): Uncertain significance (1 of 4 stars; one submission).

Conditions:
Spinocerebellar ataxia, autosomal recessive, with axonal neuropathy 2 (SCAN2). Also called: ATAXIA-OCULOMOTOR APRAXIA 2; Ataxia with Oculomotor Apraxia Type 2; Ataxia-ocular apraxia-2; Ataxia with Oculomotor Apraxia. Identifiers: Orphanet 64753, MedGen C1853761, MONDO:0018996, OMIM 606002.
Amyotrophic lateral sclerosis type 4 (ALS4). Also called: NEURONOPATHY, DISTAL HEREDITARY MOTOR, WITH PYRAMIDAL FEATURES; AMYOTROPHIC LATERAL SCLEROSIS 4, JUVENILE. Identifiers: Orphanet 357043, MedGen C1865409, MONDO:0011223, OMIM 602433.

Allele frequency attached by ClinVar (database versions not stated): gnomAD exomes below 0.00001; TOPMed below 0.00001; ExAC 0.00001; gnomAD 0.00001.
gnomAD v4.1: 4 of 1,613,556 alleles (0.00025%); highest among the groups gnomAD compares: Non-Finnish European, 0.00034%; no homozygotes.

Submission:

Labcorp Genetics (formerly Invitae), Labcorp
Classification: Uncertain significance for Amyotrophic lateral sclerosis type 4; Spinocerebellar ataxia, autosomal recessive, with axonal neuropathy 2. Last evaluated: 2022-10-25. Review status: criteria provided, single submitter. Criteria: Invitae Variant Classification Sherloc (09022015). Collection method: clinical testing. Allele origin: germline.
Comment: In summary, the available evidence is currently insufficient to determine the role of this variant in disease. Therefore, it has been classified as a Variant of Uncertain Significance. Advanced modeling of protein sequence and biophysical properties (such as structural, functional, and spatial information, amino acid conservation, physicochemical variation, residue mobility, and thermodynamic stability) has been performed at Invitae for this missense variant, however the output from this modeling did not meet the statistical confidence thresholds required to predict the impact of this variant on SETX protein function. This missense change has been observed in individual(s) with clinical features of autosomal recessive spinocerebellar ataxia (Invitae). This variant is present in population databases (rs775967851, gnomAD 0.0009%). This sequence change replaces tyrosine, which is neutral and polar, with cysteine, which is neutral and slightly polar, at codon 157 of the SETX protein (p.Tyr157Cys).